The following continues an entry in ClinVar:

NM_000271.5(NPC1):c.3182T>C (p.Ile1061Thr)

Gene: NPC1. ClinVar aggregate classification (germline): Pathogenic. Pathogenic (23).

Submissions 11 to 29 of 29:

Victorian Clinical Genetics Services, Murdoch Childrens Research Institute
Classification: Pathogenic for Niemann-Pick disease, type C1. Last evaluated: 2024-09-21. Review status: criteria provided, single submitter. Criteria: ACMG Guidelines, 2015. Collection method: clinical testing. Allele origin: germline. Inheritance: Autosomal recessive inheritance.
Comment: Based on the classification scheme VCGS_Germline_v1.3.4, this variant is classified as Pathogenic. Following criteria are met: 0102 - Loss of function is a known mechanism of disease in this gene and is associated with type C1 Niemann-Pick disease (MIM#257220) and type D Niemann-Pick disease (MIM#257220). (I) 0106 - This gene is associated with autosomal recessive disease. (I) 0115 - Variants in this gene are known to have variable expressivity. Phenotypic variability has been observed amongst individuals carrying the same pathogenic variant (PMID: 32138288). (I) 0200 - Variant is predicted to result in a missense amino acid change from isoleucine to threonine. (I) 0251 - This variant is heterozygous. (I) 0304 - Variant is present in gnomAD (v2) <0.01 for a recessive condition (53 heterozygotes, 0 homozygotes). (SP) 0309 - Multiple alternative amino acid changes at the same position have been observed in gnomAD (v2) (highest allele count: 1 heterozygote, 0 homozygotes). (I) 0501 - Missense variant consistently predicted to be damaging by multiple in silico tools or highly conserved with a major amino acid c(SP) 0600 - Variant is located in the annotated Patched family domain (DECIPHER). (I) 0801 - This variant has strong previous evidence of pathogenicity in unrelated individuals. This variant has been classified as pathogenic by multiple clinical laboratories in ClinVar, and has been observed as compound heterozygous or homozygous in many individuals with Niemann-Pick disease type C1 (PMID: 35140266). (SP) 1208 - Inheritance information for this variant is not currently available in this individual. (I) Legend: (SP) - Supporting pathogenic, (I) - Information, (SB) - Supporting benign

Department of Pathology and Laboratory Medicine, Sinai Health System
Classification: Pathogenic for Niemann-Pick disease, type C1. Last evaluated: 2023-09-06. Review status: criteria provided, single submitter. Criteria: ACMG Guidelines, 2015. Collection method: research. Allele origin: germline.

Duke University Health System Sequencing Clinic, Duke University Health System
Classification: Pathogenic for Niemann-Pick disease, type C1. Last evaluated: 2023-04-20. Review status: criteria provided, single submitter. Criteria: ACMG Guidelines, 2015. Collection method: research. Allele origin: biparental. Affected: yes.

Women's Health and Genetics/Laboratory Corporation of America, LabCorp
Classification: Pathogenic for Niemann-Pick disease, type C. Last evaluated: 2022-06-28. Review status: criteria provided, single submitter. Criteria: LabCorp Variant Classification Summary - May 2015. Collection method: clinical testing. Allele origin: germline.
Comment: Variant summary: NPC1 c.3182T>C (p.Ile1061Thr) results in a non-conservative amino acid change in the encoded protein sequence. Five of five in-silico tools predict a damaging effect of the variant on protein function. The variant allele was found at a frequency of 0.0002 in 251630 control chromosomes. This variant has been shown to be the most common mutation in NPC patients (Millat_1999). Functional study showed that the protein levels of NPC1 I1061T was significantly lower than the wild-type NPC1 due to misfolding (Gelsthorpe_2008). Twelve clinical diagnostic laboratories have submitted clinical-significance assessments for this variant to ClinVar after 2014 without evidence for independent evaluation. All laboratories classified the variant as pathogenic. Based on the evidence outlined above, the variant was classified as pathogenic.

AiLife Diagnostics
Classification: Pathogenic. Last evaluated: 2022-03-17. Review status: criteria provided, single submitter. Criteria: ACMG Guidelines, 2015. Collection method: clinical testing. Allele origin: germline. Affected: yes. Observed: 1 variant allele.

Fulgent Genetics
Classification: Pathogenic for Niemann-Pick disease, type C1. Last evaluated: 2022-02-17. Review status: criteria provided, single submitter. Criteria: ACMG Guidelines, 2015. Collection method: clinical testing. Allele origin: unknown.

Revvity Omics, Revvity
Classification: Pathogenic for Niemann-Pick disease, type C1. Last evaluated: 2022-01-11. Review status: criteria provided, single submitter. Criteria: ACMG Guidelines, 2015. Collection method: clinical testing. Allele origin: germline.

GeneDx
Classification: Pathogenic. Last evaluated: 2021-02-17. Review status: criteria provided, single submitter. Criteria: GeneDx Variant Classification Process June 2021. Collection method: clinical testing. Allele origin: germline. Affected: yes.
Comment: In vitro studies of I1061T in human fibroblasts demonstrated that the protein fails to undergo normal glycosylation, leading to misfolding and degradation (Gelsthorpe et al., 2008); In silico analysis, which includes protein predictors and evolutionary conservation, supports a deleterious effect; This variant is associated with the following publications: (PMID: 28865947, 31589614, 31980526, 32138288, 31639011, 29476731, 29631617, 28776642, 28413817, 27923633, 25873482, 10480349, 25637190, 26019327, 24928400, 25149939, 10521297, 22505584, 23430855, 21436030, 20521171, 18216017, 25590979, 23521787, 26666848, 14639697, 28710748, 30487145, 30665703, 30556376)

Myriad Genetics, Inc.
Classification: Pathogenic for Niemann-Pick disease, type C1. Last evaluated: 2019-11-12. Review status: criteria provided, single submitter. Criteria: Myriad Women's Health Autosomal Recessive and X-Linked Classification Criteria (2019). Collection method: clinical testing. Allele origin: unknown.
Comment: NM_000271.4(NPC1):c.3182T>C(I1061T) is classified as pathogenic in the context of Niemann-Pick disease, type C1. Sources cited for classification include the following: PMID 12401890, 10521290, 10480349, 21436030, 16098014, 11349231, 11754101, 18216017 and 22505584. Classification of NM_000271.4(NPC1):c.3182T>C(I1061T) is based on the following criteria: This is a well-established pathogenic variant in the literature that has been observed more frequently in patients with clinical diagnoses than in healthy populations. Please note: this variant was assessed in the context of healthy population screening.

Eurofins Ntd Llc (ga)
Classification: Pathogenic. Last evaluated: 2017-05-05. Review status: criteria provided, single submitter. Criteria: EGL Classification Definitions 2015. Collection method: clinical testing. Allele origin: germline. Observed: 17 variant alleles, 16 heterozygotes, 1 homozygote.

Genetic Services Laboratory, University of Chicago
Classification: Pathogenic for Niemann-Pick disease, type C1. Last evaluated: 2016-11-18. Review status: criteria provided, single submitter. Criteria: ACMG Guidelines, 2015. Collection method: clinical testing. Allele origin: germline. Affected: yes.

Courtagen Diagnostics Laboratory, Courtagen Life Sciences
Classification: Pathogenic for Niemann-Pick disease, type C1. Last evaluated: 2015-03-10. Review status: criteria provided, single submitter. Criteria: Courtagen Life Sciences Classifications. Collection method: clinical testing. Allele origin: germline. Affected: yes.

Rady Children's Institute for Genomic Medicine, Rady Children's Hospital San Diego
Classification: Pathogenic for NIEMANN-PICK DISEASE. Review status: criteria provided, single submitter. Criteria: ACMG Guidelines, 2015. Collection method: clinical testing. Allele origin: germline. Affected: yes.
Comment: This variant is one of the most common alterations identified in individuals with Niemann-Pick disease type C (PMID: 10521297, 16126423, 25149939, 20521171, 10480349). Functional characterization showed that the variant impairs proper protein localization and leads to proteasomal degradation in cell culture (PMID: 18216017, 25637190). The c.3182T>C (p.Ile1061Thr) variant is present in the heterozygous state in the gnomAD population database at a frequency of 0.019% (53/282832) and thus is presumed to be rare. The c.3182T>C (p.Ile1061Thr) variant is predicted by in silico tools to have a deleterious effect on protein function. Based on the available evidence, the c.3182T>C (p.Ile1061Thr) variant is classified as Pathogenic.

Division of Human Genetics, Children's Hospital of Philadelphia
Classification: Pathogenic for Niemann-Pick disease, type C1. Last evaluated: 2015-05-07. Review status: no assertion criteria provided. Collection method: research. Allele origin: germline. Affected: no. Study: CSER-PediSeq. Not counted in ClinVar's aggregate classification.
Comment: The heterozygous variant in the NPC1 gene (c.3182T>C; p.Ile1061Thr) is considered pathogenic. This variant was seen in 29 alleles out of 120942 total interrogated at this position in the ExAC database. This variant has been previously published in multiple individuals (Fernandez-Valero et al. 2005; PMID: 16098014; MIlat et al. 1999 PMID: 10521297; Yamamoto et al. 1999, PMID: 10480349) and functional studies performed show that the resulting protein fails to localize properly (Gelsthorpe et al 2008, PMID: 18216017).

OMIM
Classification: Pathogenic for NIEMANN-PICK DISEASE, TYPE C1. Last evaluated: 2008-03-28. Review status: no assertion criteria provided. Collection method: literature only. Allele origin: germline. Not counted in ClinVar's aggregate classification.

Clinical Genetics DNA and cytogenetics Diagnostics Lab, Erasmus MC, Erasmus Medical Center
Classification: Pathogenic. Review status: no assertion criteria provided. Collection method: clinical testing. Allele origin: germline. Affected: yes. Study: VKGL Data-share Consensus. Not counted in ClinVar's aggregate classification.

Diagnostic Laboratory, Department of Genetics, University Medical Center Groningen
Classification: Pathogenic. Review status: no assertion criteria provided. Collection method: clinical testing. Allele origin: germline. Affected: yes. Study: VKGL Data-share Consensus. Not counted in ClinVar's aggregate classification.

GeneReviews
No classification provided. Condition: Niemann-Pick disease, type C1. Review status: no classification provided. Collection method: literature only. Allele origin: unknown. Not counted in ClinVar's aggregate classification.

Genomics England Pilot Project, Genomics England
Classification: Pathogenic for Niemann-Pick disease, type C1. Review status: no assertion criteria provided. Criteria: ACGS Guidelines, 2016. Collection method: clinical testing. Allele origin: germline. Affected: yes. Not counted in ClinVar's aggregate classification.

Literature cited by the submitters: PubMed 10521297 (cited by 8 submitters); PubMed 16126423 (cited by 3 submitters); PubMed 20521171 (cited by 3 submitters); PubMed 25149939 (cited by 3 submitters); PubMed 18216017 (cited by 11 submitters); PubMed 25637190 (cited by 3 submitters); PubMed 26019327 (cited by 4 submitters); PubMed 28666962 (cited by Variantyx, Inc.); PubMed 26666848 (cited by Variantyx, Inc. and AiLife Diagnostics); PubMed 16098014 (cited by 5 submitters); PubMed 21436030 (cited by 3 submitters); PubMed 32138288 (cited by 3 submitters); PubMed 34572251 (cited by Natera, Inc.); PubMed 17160617 (cited by Natera, Inc.); PubMed 1052129 (cited by Dasa); PubMed 35140266 (cited by Victorian Clinical Genetics Services, Murdoch Childrens Research Institute); PubMed 25590979 (cited by Duke University Health System Sequencing Clinic, Duke University Health System and AiLife Diagnostics); PubMed 10480349 (cited by 3 submitters); PubMed 14639697 (cited by AiLife Diagnostics); PubMed 28710748 (cited by AiLife Diagnostics); PubMed 31589614 (cited by AiLife Diagnostics); PubMed 31639011 (cited by AiLife Diagnostics); PubMed 31980526 (cited by AiLife Diagnostics); PubMed 28865947 (cited by AiLife Diagnostics); PubMed 24928400 (cited by AiLife Diagnostics); PubMed 28413817 (cited by AiLife Diagnostics); PubMed 25873482 (cited by AiLife Diagnostics); PubMed 30487145 (cited by AiLife Diagnostics); PubMed 29631617 (cited by AiLife Diagnostics); PubMed 30556376 (cited by AiLife Diagnostics); PubMed 28776642 (cited by AiLife Diagnostics); PubMed 29476731 (cited by AiLife Diagnostics); PubMed 27923633 (cited by AiLife Diagnostics); PubMed 33099109 (cited by AiLife Diagnostics); PubMed 30665703 (cited by AiLife Diagnostics); PubMed 22505584 (cited by AiLife Diagnostics and Myriad Genetics, Inc.); PubMed 23430855 (cited by AiLife Diagnostics and Eurofins Ntd Llc (ga)); PubMed 12401890 (cited by Myriad Genetics, Inc.); PubMed 10521290 (cited by Myriad Genetics, Inc.); PubMed 11349231 (cited by Myriad Genetics, Inc.); PubMed 11754101 (cited by Myriad Genetics, Inc.); PubMed 19744920 (cited by Division of Human Genetics, Children's Hospital of Philadelphia); PubMed 20301473 (cited by GeneReviews); NCBI Bookshelf NBK1296 (cited by GeneReviews).